The following is an entry in ClinVar:

ClinVar aggregate classification (germline): Conflicting classifications of pathogenicity. Review status: criteria provided, conflicting classifications (1 of 4 stars). 16 submissions from 15 submitters: Uncertain significance (10); Benign (1); Likely benign (4). 1 of the submissions does not count toward it. Last evaluated 2026-01-26.

Conditions:
Cardiovascular phenotype. Identifiers: MedGen CN230736.
Cardiomyopathy, familial restrictive, 3. Identifiers: Orphanet 75249, MedGen C2676271, MONDO:0012900, OMIM 612422.
Dilated cardiomyopathy 1D. Identifiers: Orphanet 154, Orphanet 54260, MedGen C1832243, MONDO:0011095, OMIM 601494.
Hypertrophic cardiomyopathy 2. Also called: TNNT2-Related Familial Hypertrophic Cardiomyopathy. Identifiers: MedGen C1861864, MONDO:0007266, OMIM 115195.
Cardiomyopathy (CMYO). Also called: Cardiomyopathies. Identifiers: Orphanet 167848, MedGen C0878544, MONDO:0004994, HP:0001638. Inheritance: Various modes of inheritance.

Allele frequency attached by ClinVar (database versions not stated): ExAC 0.00012; gnomAD 0.00014 and 0.00015; gnomAD exomes 0.00014 and 0.00015; 1000 Genomes Project 0.00020; ESP Exome Variant Server 0.00023; 1000 Genomes Project 30x 0.00031; TOPMed 0.00032.

Submissions (16):

Labcorp Genetics (formerly Invitae), Labcorp
Classification: Uncertain significance for Cardiomyopathy, familial restrictive, 3; Hypertrophic cardiomyopathy 2; Dilated cardiomyopathy 1D. Last evaluated: 2026-01-26. Review status: criteria provided, single submitter. Criteria: Invitae Variant Classification Sherloc (09022015). Collection method: clinical testing. Allele origin: germline.
Comment: This sequence change replaces isoleucine, which is neutral and non-polar, with threonine, which is neutral and polar, at codon 221 of the TNNT2 protein (p.Ile221Thr). This variant is present in population databases (rs45520032, gnomAD 0.03%), and has an allele count higher than expected for a pathogenic variant. This missense change has been observed in individual(s) with hypertrophic or dilated cardiomyopathy (PMID: 24093860, 26507537, 32880476, 33495596, 37198425, 37652022). ClinVar contains an entry for this variant (Variation ID: 181604). Invitae Evidence Modeling of protein sequence and biophysical properties (such as structural, functional, and spatial information, amino acid conservation, physicochemical variation, residue mobility, and thermodynamic stability) indicates that this missense variant is not expected to disrupt TNNT2 protein function with a negative predictive value of 80%. Experimental studies have shown that this missense change does not substantially affect TNNT2 function (PMID: 33025817). In summary, the available evidence is currently insufficient to determine the role of this variant in disease. Therefore, it has been classified as a Variant of Uncertain Significance.

Molecular Diagnostic Laboratory for Inherited Cardiovascular Disease, Montreal Heart Institute
Classification: Uncertain significance for Cardiovascular phenotype. Last evaluated: 2025-04-09. Review status: criteria provided, single submitter. Criteria: ACMG Guidelines, 2015. Collection method: clinical testing. Allele origin: germline. Affected: yes.
Comment: PS4_supp, PP2, PP3, BS1, BS3_supp

Blueprint Genetics
Classification: Likely benign. Last evaluated: 2024-07-12. Review status: criteria provided, single submitter. Criteria: ACMG Guidelines, 2015. Collection method: clinical testing. Allele origin: germline.

Department of Pathology and Laboratory Medicine, Sinai Health System
Classification: Uncertain significance for Hypertrophic cardiomyopathy 2; Dilated cardiomyopathy 1D; Cardiomyopathy, familial restrictive, 3. Last evaluated: 2024-04-23. Review status: criteria provided, single submitter. Criteria: ACMG Guidelines, 2015. Collection method: clinical testing. Allele origin: germline. Affected: no.

GeneDx
Classification: Uncertain significance. Last evaluated: 2024-04-23. Review status: criteria provided, single submitter. Criteria: GeneDx Variant Classification Process June 2021. Collection method: clinical testing. Allele origin: germline. Affected: yes.
Comment: Reported in association with HCM and DCM (PMID: 24093860, 22958901, 26507537, 32880476); In silico analysis supports that this missense variant has a deleterious effect on protein structure/function; Functional studies using stem cells suggest that this variant does not impact protein function (PMID: 33025817); This variant is associated with the following publications: (PMID: 26507537, 28255936, 32880476, 30763825, 33025817, 24093860, 30297972, 22958901)

Color Diagnostics, LLC DBA Color Health
Classification: Likely benign for Cardiomyopathy. Last evaluated: 2024-02-20. Review status: criteria provided, single submitter. Criteria: ACMG Guidelines, 2015. Collection method: clinical testing. Allele origin: germline.

Fulgent Genetics
Classification: Uncertain significance for Hypertrophic cardiomyopathy 2; Dilated cardiomyopathy 1D; Cardiomyopathy, familial restrictive, 3. Last evaluated: 2024-02-07. Review status: criteria provided, single submitter. Criteria: ACMG Guidelines, 2015. Collection method: clinical testing. Allele origin: germline.

Ambry Genetics
Classification: Likely benign for Cardiovascular phenotype. Last evaluated: 2023-08-14. Review status: criteria provided, single submitter. Criteria: Ambry Variant Classification Scheme 2023. Collection method: clinical testing. Allele origin: germline.

Women's Health and Genetics/Laboratory Corporation of America, LabCorp
Classification: Uncertain significance. Last evaluated: 2023-05-23. Review status: criteria provided, single submitter. Criteria: LabCorp Variant Classification Summary - May 2015. Collection method: clinical testing. Allele origin: germline.
Comment: Variant summary: TNNT2 c.662T>C (p.Ile221Thr) results in a non-conservative amino acid change in the encoded protein sequence. Four of five in-silico tools predict a damaging effect of the variant on protein function. The variant allele was found at a frequency of 0.00014 in 251490 control chromosomes, predominantly within the Latino- and North-western European subpopulations, at a frequency of 0.00029 and 0.00031 (respectively) in the gnomAD database. The observed variant frequency within these subpopulations is approximately 2-fold of the estimated maximal expected allele frequency for a pathogenic variant in TNNT2 causing cardiomyopathy (0.00018), suggesting that the variant is a benign polymorphism. c.662T>C has been reported in the literature, primarily in settings of multigene panel testing, in individuals affected with hypertrophic cardiomyopathy (HCM), dilated cardiomyopathy (DCM), and in a case of sudden arrhythmic death (e.g. Marsiglia_2013, Ripoll-Vera_2016, Campuzano_2017, Ho_2018, Te Rijdt_2019, Verdonschot_2020); however in several of these cases, the variant has been reported as a VUS and/or other variants in cardiac-related genes have also been reported in the same individual. Therefore, these reports do not provide strong evidence to support the variant's association with disease. At least one publication reports experimental evidence evaluating an impact on protein function, showing the variant did not differ from wild-type TNNT2 (e.g. Pettinato_2020). The following publications have been ascertained in the context of this evaluation (PMID: 22958901, 24093860, 26507537, 30297972, 28255936, 32880476, 33025817, 30763825). Eight other submitters have provided clinical-significance assessments for this variant to ClinVar after 2014, classifying the variant as uncertain significance (n=6), likely benign (n=1), or benign (n=1). Based on the evidence outlined above, the variant was classified as VUS-possibly benign.

Victorian Clinical Genetics Services, Murdoch Childrens Research Institute
Classification: Likely benign for Dilated cardiomyopathy 1D. Last evaluated: 2020-05-21. Review status: criteria provided, single submitter. Criteria: ACMG Guidelines, 2015. Collection method: clinical testing. Allele origin: germline. Inheritance: Autosomal dominant inheritance.
Comment: Based on the classification scheme VCGS_Germline_v1.1.1, this variant is classified as likely benign. Following criteria are met: 0104 - Dominant Negative is a mechanism of disease for this gene. (N) 0107 - This gene is known to be associated with autosomal dominant disease. (N) 0200 - Variant is predicted to result in a missense amino acid change from isoleucine to threonine (exon 13). (N) 0251 - Variant is heterozygous. (N) 0308 - Population frequency for this variant is out of keeping with known incidence of DCM (45 heterozygotes, 0 homozygotes). (B) 0309 - An alternative amino acid change at the same position has been observed in gnomAD (1 heterozygotes, 0 homozygotes). (N) 0501 - Missense variant consistently predicted to be damaging by multiple in-silico tools or highly conserved with a major amino acid change. (P) 0600 - Variant is located in an annotated domain or motif. (Troponin coiled-coiled; PDB) (N) 0708 - Comparable variants have conflicting previous evidence for pathogenicity. (N) p.Ile228Val reported VUS in two individuals (ClinVar). 0808 - Previous reports of pathogenicity are conflicting. (N) Reported as VUS in four individuals and likely benign in one individual (ClinVar), one patient with ARVC and DCM (Te Rijdt, W. et al (2019)), two HCM patients (Marsiglia, J. et al. (2013), Ripoll-Vera, T. et al. (2016)), one sudden death patient (Campuzano, O. et al. (2017)). 0905 - No segregation evidence has been identified for this variant. (N) 1007 - No published functional evidence has been identified for this variant. (N) 1208 - Inheritance information for this variant is not currently available. (N) Legend: (P) - Pathogenic, (N) - Neutral, (B) - Benign

Mendelics
Classification: Benign for Hypertrophic cardiomyopathy 2. Last evaluated: 2019-05-28. Review status: criteria provided, single submitter. Criteria: Mendelics Assertion Criteria 2017. Collection method: clinical testing. Allele origin: unknown.

Centre for Mendelian Genomics, University Medical Centre Ljubljana
Classification: Uncertain significance for Dilated cardiomyopathy 1D. Last evaluated: 2018-10-31. Review status: criteria provided, single submitter. Criteria: ACMG Guidelines, 2015. Collection method: clinical testing. Allele origin: unknown. Affected: yes.
Comment: This variant was classified as: Uncertain significance. The available evidence on this variant's pathogenicity is insufficient or conflicting. The following ACMG criteria were applied in classifying this variant: PP2,PP3,BP6.

Illumina Laboratory Services, Illumina
Classification: Uncertain significance for Hypertrophic cardiomyopathy 2. Last evaluated: 2018-01-13. Review status: criteria provided, single submitter. Criteria: ICSL Variant Classification Criteria 13 December 2019. Collection method: clinical testing. Allele origin: germline.

Illumina Laboratory Services, Illumina
Classification: Uncertain significance for Cardiomyopathy, familial restrictive, 3. Last evaluated: 2018-01-13. Review status: criteria provided, single submitter. Criteria: ICSL Variant Classification Criteria 13 December 2019. Collection method: clinical testing. Allele origin: germline.

Laboratory for Molecular Medicine, Mass General Brigham Personalized Medicine
Classification: Uncertain significance. Last evaluated: 2016-04-25. Review status: criteria provided, single submitter. Criteria: LMM Criteria. Collection method: clinical testing. Allele origin: germline.
Comment: Variant identified in a genome or exome case(s) and assessed due to predicted null impact of the variant or pathogenic assertions in the literature or databases. Disclaimer: This variant has not undergone full assessment. The following are preliminary notes: Reported in at least 2 individuals, low frequency in ExAC, no segs

Clinical Genetics DNA and cytogenetics Diagnostics Lab, Erasmus MC, Erasmus Medical Center
Classification: Uncertain significance. Review status: no assertion criteria provided. Collection method: clinical testing. Allele origin: germline. Affected: yes. Study: VKGL Data-share Consensus. Not counted in ClinVar's aggregate classification.

Literature cited by the submitters: PubMed 24093860 (cited by 5 submitters); PubMed 26507537 (cited by 5 submitters); PubMed 32880476 (cited by 3 submitters); PubMed 33495596 (cited by Labcorp Genetics (formerly Invitae), Labcorp); PubMed 37198425 (cited by Labcorp Genetics (formerly Invitae), Labcorp); PubMed 37652022 (cited by Labcorp Genetics (formerly Invitae), Labcorp); PubMed 33025817 (cited by 3 submitters); PubMed 30763825 (cited by 3 submitters); PubMed 22958901 (cited by Ambry Genetics and Women's Health and Genetics/Laboratory Corporation of America, LabCorp); PubMed 28255936 (cited by 3 submitters); PubMed 30297972 (cited by Women's Health and Genetics/Laboratory Corporation of America, LabCorp).

NM_001276345.2(TNNT2):c.692T>C (p.Ile231Thr)

Gene: TNNT2 (troponin T2, cardiac type; minus strand). Cytogenetic location: 1q32.1.
Variant type: single nucleotide variant.
Coding change: c.692T>C on transcript NM_001276345.2 (MANE Select); coding-DNA position 692, T replaced by C.
Protein change: p.Ile231Thr; replaces isoleucine 231 with threonine.
Molecular consequence: missense variant.
Genome position (GRCh38, 1-based): chr1:201,361,940, A>G on the plus strand (T>C on the coding strand, the complement: TNNT2 is on the minus strand). VCF-style: chr1-201361940-A-G. GRCh37 (hg19) VCF-style: chr1-201331068-A-G.
Other names: p.I221T:ATT>ACT; c.683T>C, p.Ile228Thr (NM_000364.4); c.662T>C, p.Ile221Thr (NM_001001430.3, NM_001276347.2); c.653T>C, p.Ile218Thr (NM_001001431.3); c.644T>C, p.Ile215Thr (NM_001001432.3); c.563T>C, p.Ile188Thr (NM_001276346.2); short protein forms I221T, I228T, I188T, I218T, I215T, I231T.
Identifiers: ClinVar variation 181604 (VCV000181604.46), dbSNP rs45520032, ClinGen allele CA004919.